The following is an entry in ClinVar:

NM_006231.4(POLE):c.2865-1G>A

Gene: POLE (DNA polymerase epsilon, catalytic subunit; minus strand). Cytogenetic location: 12q24.33.
Variant type: single nucleotide variant.
Coding change: c.2865-1G>A on transcript NM_006231.4 (MANE Select); the canonical splice acceptor site of the intron before coding-DNA position 2865, G replaced by A.
Molecular consequence: splice acceptor variant.
Genome position (GRCh38, 1-based): chr12:132,661,165, C>T on the plus strand (G>A on the coding strand, the complement: POLE is on the minus strand). VCF-style: chr12-132661165-C-T. GRCh37 (hg19) VCF-style: chr12-133237751-C-T.
Identifiers: ClinVar variation 2830084 (VCV002830084.3), dbSNP rs2138692842, ClinGen allele CA387393036.
Genomic context (GRCh38, chr12:132,661,165, plus strand): 5'-CGTTTGACCTCAAAGCCCTTGAGCTCAGCCAGAGAACCGTCTTCATTGAACACAGCATAC[C>T]TGAAAAAAAAAAAAAAGGCAAGCACAGCAGTGGCAAGGAGCGCTGGGGAGCCACCAGCTG-3'

ClinVar aggregate classification (germline): Likely pathogenic (1 of 4 stars; one submission).

Submission:

Labcorp Genetics (formerly Invitae), Labcorp
Classification: Likely pathogenic. Last evaluated: 2023-12-02. Review status: criteria provided, single submitter. Criteria: Invitae Variant Classification Sherloc (09022015). Collection method: clinical testing. Allele origin: germline.
Comment: This sequence change affects an acceptor splice site in intron 24 of the POLE gene. It is expected to disrupt RNA splicing. Variants that disrupt the donor or acceptor splice site typically lead to a loss of protein function (PMID: 16199547), and loss-of-function variants in POLE are known to be pathogenic (PMID: 23230001, 25948378, 30503519). This variant is not present in population databases (gnomAD no frequency). This variant has not been reported in the literature in individuals affected with POLE-related conditions. Algorithms developed to predict the effect of sequence changes on RNA splicing suggest that this variant may disrupt the consensus splice site. In summary, the currently available evidence indicates that the variant is pathogenic, but additional data are needed to prove that conclusively. Therefore, this variant has been classified as Likely Pathogenic.

Literature cited by the submitters: PubMed 16199547; PubMed 23230001; PubMed 25948378; PubMed 30503519.